The following is an entry in ClinVar:

NM_020066.5(FMN2):c.3330G>A (p.Pro1110=)

Gene: FMN2 (formin 2; plus strand). Cytogenetic location: 1q43.
Variant type: single nucleotide variant.
Coding change: c.3330G>A on transcript NM_020066.5 (MANE Select); coding-DNA position 3330, G replaced by A.
Protein change: p.Pro1110=; no amino-acid change (proline 1110 retained).
Molecular consequence: synonymous variant. On other transcripts: intron variant (1).
Genome position (GRCh38, 1-based): chr1:240,208,142, G>A. VCF-style: chr1-240208142-G-A. GRCh37 (hg19) VCF-style: chr1-240371442-G-A.
Other names: c.3342G>A, p.Pro1114= (NM_001305424.2); c.1986+19880G>A (NM_001348094.2).
Identifiers: ClinVar variation 2640183 (VCV002640183.24), dbSNP rs191253930, ClinGen allele CA1477098.
Genomic context (GRCh38, chr1:240,208,142, plus strand): 5'-TCTACCCGGAGCGGGCATACCCCCTCCGCCCCCTCTACCCGGAGTGGGCATACCTCCTCC[G>A]CCCCCTCTACCCGGAGCGGGCATACCCCCTCCTCCCCCTCTACCCGGAGCGGGCATACCC-3'
Protein context (NP_064450.3, residues 1100-1120): PPLPGVGIPP[Pro1110=]PPLPGAGIPP

ClinVar aggregate classification (germline): Likely benign (1 of 4 stars; one submission).

Allele frequency attached by ClinVar (database versions not stated): gnomAD 0.00042; gnomAD exomes 0.00289; ESP Exome Variant Server 0.00499.
gnomAD v4.1: 2,632 of 944,294 alleles (0.28%); highest among the groups gnomAD compares: Non-Finnish European, 0.28%; 31 homozygotes.

Submission:

CeGaT Center for Human Genetics Tuebingen
Classification: Likely benign. Last evaluated: 2026-08-01. Review status: criteria provided, single submitter. Criteria: CeGaT Center For Human Genetics Tuebingen Variant Classification Criteria Version 2. Collection method: clinical testing. Allele origin: germline. Affected: yes. Observed: 14 variant alleles.
Comment: FMN2: BP4, BP7, BS2